The following is an entry in ClinVar:

ClinVar aggregate classification (germline): Uncertain significance. Review status: criteria provided, multiple submitters, no conflicts (2 of 4 stars). 2 submissions from 2 submitters: Uncertain significance (2). Last evaluated 2022-10-18.

Allele frequency attached by ClinVar (database versions not stated): gnomAD exomes below 0.00001.
gnomAD v4.1: 1 of 1,613,836 alleles (0.000062%); highest among the groups gnomAD compares: Non-Finnish European, 0.000085%; no homozygotes.

Submissions (2):

Blueprint Genetics
Classification: Uncertain significance. Last evaluated: 2022-10-18. Review status: criteria provided, single submitter. Criteria: ACMG Guidelines, 2015. Collection method: clinical testing. Allele origin: germline.

Labcorp Genetics (formerly Invitae), Labcorp
Classification: Uncertain significance. Last evaluated: 2022-10-10. Review status: criteria provided, single submitter. Criteria: Invitae Variant Classification Sherloc (09022015). Collection method: clinical testing. Allele origin: germline.
Comment: This sequence change replaces valine, which is neutral and non-polar, with isoleucine, which is neutral and non-polar, at codon 227 of the FGF23 protein (p.Val227Ile). This variant is not present in population databases (gnomAD no frequency). This variant has not been reported in the literature in individuals affected with FGF23-related conditions. Algorithms developed to predict the effect of missense changes on protein structure and function (SIFT, PolyPhen-2, Align-GVGD) all suggest that this variant is likely to be tolerated. In summary, the available evidence is currently insufficient to determine the role of this variant in disease. Therefore, it has been classified as a Variant of Uncertain Significance.

NM_020638.3(FGF23):c.679G>A (p.Val227Ile)

Gene: FGF23 (fibroblast growth factor 23; minus strand). Cytogenetic location: 12p13.32.
Variant type: single nucleotide variant.
Coding change: c.679G>A on transcript NM_020638.3 (MANE Select); coding-DNA position 679, G replaced by A.
Protein change: p.Val227Ile; replaces valine 227 with isoleucine.
Molecular consequence: missense variant.
Genome position (GRCh38, 1-based): chr12:4,370,420, C>T on the plus strand (G>A on the coding strand, the complement: FGF23 is on the minus strand). VCF-style: chr12-4370420-C-T. GRCh37 (hg19) VCF-style: chr12-4479586-C-T.
Other names: short protein forms V227I.
Identifiers: ClinVar variation 1718197 (VCV001718197.6), dbSNP rs2497235702, ClinGen allele CA383415792.
Genomic context (GRCh38, chr12:4,370,420, plus strand): 5'-AGGGGCGGCAGCCTTCCGGGCCCGTTCCCCCAGCGTGCGTGTTCACTCGACCGCCCCTGA[C>T]CACCCCTAATGGGTCACTGGCCATCGGGCTGTTGTCCTCGGCGCTCGGGAGCTCCTGTGA-3'
Protein context (NP_065689.1, residues 217-237): SPMASDPLGV[Val227Ile]RGGRVNTHAG